The following is an entry in ClinVar:

NM_001017420.3(ESCO2):c.765T>G (p.Phe255Leu)

Gene: ESCO2 (establishment of sister chromatid cohesion N-acetyltransferase 2; plus strand). Cytogenetic location: 8p21.1.
Variant type: single nucleotide variant.
Coding change: c.765T>G on transcript NM_001017420.3 (MANE Select); coding-DNA position 765, T replaced by G.
Protein change: p.Phe255Leu; replaces phenylalanine 255 with leucine.
Molecular consequence: missense variant.
Genome position (GRCh38, 1-based): chr8:27,777,073, T>G. VCF-style: chr8-27777073-T-G. GRCh37 (hg19) VCF-style: chr8-27634590-T-G.
Other names: short protein forms F255L.
Identifiers: ClinVar variation 2061021 (VCV002061021.1), dbSNP rs780741900, ClinGen allele CA4692109.

ClinVar aggregate classification (germline): Uncertain significance (1 of 4 stars; one submission).

gnomAD v4.1: 19 of 1,605,480 alleles (0.0012%); highest among the groups gnomAD compares: Non-Finnish European, 0.00017%; no homozygotes.

Submission:

Labcorp Genetics (formerly Invitae), Labcorp
Classification: Uncertain significance. Last evaluated: 2021-09-30. Review status: criteria provided, single submitter. Criteria: Invitae Variant Classification Sherloc (09022015). Collection method: clinical testing. Allele origin: germline.
Comment: This sequence change replaces phenylalanine with leucine at codon 255 of the ESCO2 protein (p.Phe255Leu). The phenylalanine residue is weakly conserved and there is a small physicochemical difference between phenylalanine and leucine. This variant is present in population databases (rs780741900, ExAC 0.002%). This variant has not been reported in the literature in individuals with ESCO2-related disease. Algorithms developed to predict the effect of missense changes on protein structure and function output the following: SIFT: "Tolerated"; PolyPhen-2: "Benign"; Align-GVGD: "Class C0". The leucine amino acid residue is found in multiple mammalian species, suggesting that this missense change does not adversely affect protein function. These predictions have not been confirmed by published functional studies and their clinical significance is uncertain. In summary, the available evidence is currently insufficient to determine the role of this variant in disease. Therefore, it has been classified as a Variant of Uncertain Significance.